The following is an entry in ClinVar:

ClinVar aggregate classification (germline): Likely pathogenic (1 of 4 stars; one submission).

Conditions:
Bloom syndrome (BLM). Also called: Bloom-Torre-Machacek syndrome. Identifiers: Orphanet 125, MedGen C0005859, MONDO:0008876, OMIM 210900.

Submission:

Labcorp Genetics (formerly Invitae), Labcorp
Classification: Likely pathogenic for Bloom syndrome. Last evaluated: 2023-07-24. Review status: criteria provided, single submitter. Criteria: Invitae Variant Classification Sherloc (09022015). Collection method: clinical testing. Allele origin: germline.
Comment: In summary, the currently available evidence indicates that the variant is pathogenic, but additional data are needed to prove that conclusively. Therefore, this variant has been classified as Likely Pathogenic. Algorithms developed to predict the effect of sequence changes on RNA splicing suggest that this variant may disrupt the consensus splice site. This variant has not been reported in the literature in individuals affected with BLM-related conditions. This variant is not present in population databases (gnomAD no frequency). This variant results in the deletion of part of exon 2 (c.98_98+1del) of the BLM gene. It is expected to disrupt RNA splicing. Variants that disrupt the donor or acceptor splice site typically lead to a loss of protein function (PMID: 16199547), and loss-of-function variants in BLM are known to be pathogenic (PMID: 17407155).

Literature cited by the submitters: PubMed 16199547; PubMed 17407155.

NM_000057.4(BLM):c.98_98+1del

Gene: BLM (BLM RecQ like helicase; plus strand). Cytogenetic location: 15q26.1.
Variant type: Deletion.
Coding change: c.98_98+1del on transcript NM_000057.4 (MANE Select); coding-DNA position 98 through the canonical splice donor site of the intron after coding-DNA position 98, 2 bases deleted (CG; older notation c.98_98+1delCG).
Molecular consequence: splice donor variant.
Genome position (GRCh38, 1-based): chr15:90,747,490-90,747,491, CG deleted. VCF-style (leftmost placement, unchanged base first): chr15-90747489-TCG-T. GRCh37 (hg19) VCF-style: chr15-91290719-TCG-T.
Other names: c.98_98+1del (NM_001287246.2, NM_001287247.2); c.-1194_-1194+1del (NM_001287248.2).
Identifiers: ClinVar variation 2746147 (VCV002746147.3), dbSNP rs2505385302, ClinGen allele CA2697549317.